The following is an entry in ClinVar:

NM_005032.7(PLS3):c.1375_1376del (p.Lys459fs)

Gene: PLS3 (plastin 3; plus strand). Cytogenetic location: Xq23.
Variant type: Deletion.
Coding change: c.1375_1376del on transcript NM_005032.7 (MANE Select); coding-DNA positions 1375 to 1376, 2 bases deleted (AA; older notation c.1375_1376delAA).
Protein change: p.Lys459fs; shifts the reading frame from lysine 459.
Molecular consequence: frameshift variant.
Genome position (GRCh38, 1-based): chrX:115,646,184-115,646,185, AA deleted; deleting any 2 consecutive bases within chrX:115,646,181-115,646,185 gives the same sequence; the c. name uses the placement nearest the transcript's 3' end. VCF-style (leftmost placement, unchanged base first): chrX-115646180-GAA-G. GRCh37 (hg19) VCF-style: chrX-114880500-GAA-G.
Other names: c.1375_1376del, p.Lys459fs (NM_001136025.5); c.1294_1295del, p.Lys432fs (NM_001172335.3); c.1336_1337del, p.Lys446fs (NM_001282337.2); c.1240_1241del, p.Lys414fs (NM_001282338.2); short protein forms K414fs, K459fs, K432fs, K446fs.
Identifiers: ClinVar variation 1453605 (VCV001453605.6), dbSNP rs2147585800, ClinGen allele CA2573159154.

ClinVar aggregate classification (germline): Pathogenic (1 of 4 stars; one submission).

Submission:

Labcorp Genetics (formerly Invitae), Labcorp
Classification: Pathogenic. Last evaluated: 2022-09-22. Review status: criteria provided, single submitter. Criteria: Invitae Variant Classification Sherloc (09022015). Collection method: clinical testing. Allele origin: germline.
Comment: ClinVar contains an entry for this variant (Variation ID: 1453605). This sequence change creates a premature translational stop signal (p.Lys459Alafs*9) in the PLS3 gene. It is expected to result in an absent or disrupted protein product. Loss-of-function variants in PLS3 are known to be pathogenic (PMID: 24088043, 30405713, 33166085). This variant is not present in population databases (gnomAD no frequency). This variant has not been reported in the literature in individuals affected with PLS3-related conditions. For these reasons, this variant has been classified as Pathogenic.

Literature cited by the submitters: PubMed 24088043; PubMed 30405713; PubMed 33166085.